The following is an entry in ClinVar:

ClinVar aggregate classification (germline): Uncertain significance (1 of 4 stars; one submission).

Allele frequency attached by ClinVar (database versions not stated): gnomAD exomes below 0.00001; gnomAD 0.00001; TOPMed 0.00001.
gnomAD v4.1: 4 of 1,613,824 alleles (0.00025%); highest among the groups gnomAD compares: Admixed American, 0.0017%; no homozygotes.

Submission:

Greenwood Genetic Center Diagnostic Laboratories, Greenwood Genetic Center
Classification: Uncertain significance. Last evaluated: 2023-10-12. Review status: criteria provided, single submitter. Criteria: ACMG Guidelines, 2015. Collection method: clinical testing. Allele origin: germline. Affected: yes.
Comment: PM2

NM_001329943.3(KIAA0586):c.136G>A (p.Ala46Thr)

Gene: KIAA0586 (KIAA0586; plus strand). Cytogenetic location: 14q23.1.
Variant type: single nucleotide variant.
Coding change: c.136G>A on transcript NM_001329943.3 (MANE Select); coding-DNA position 136, G replaced by A.
Protein change: p.Ala46Thr; replaces alanine 46 with threonine.
Molecular consequence: missense variant. On other transcripts: intron variant (5).
Genome position (GRCh38, 1-based): chr14:58,428,400, G>A. VCF-style: chr14-58428400-G-A. GRCh37 (hg19) VCF-style: chr14-58895118-G-A.
Other names: c.136G>A, p.Ala46Thr (NM_001329944.2, NM_001329946.2, NM_001329947.2 and 1 more transcripts); c.-57+587G>A (NM_001329945.2, NM_001364700.1, NM_001364701.2); c.-57+763G>A (NM_001244192.2, NM_001244191.2); c.172G>A, p.Ala58Thr (NM_001244189.2); c.91G>A, p.Ala31Thr (NM_001244190.2); short protein forms A31T, A58T, A46T.
Identifiers: ClinVar variation 2692542 (VCV002692542.1), dbSNP rs941625489, ClinGen allele CA261632696.